The following is an entry in ClinVar:

NM_000094.4(COL7A1):c.4980+4A>C

Gene: COL7A1 (collagen type VII alpha 1 chain; minus strand). Cytogenetic location: 3p21.31.
Variant type: single nucleotide variant.
Coding change: c.4980+4A>C on transcript NM_000094.4 (MANE Select); 4 bases into the intron after coding-DNA position 4980, A replaced by C.
Molecular consequence: intron variant.
Genome position (GRCh38, 1-based): chr3:48,580,878, T>G on the plus strand (A>C on the coding strand, the complement: COL7A1 is on the minus strand). VCF-style: chr3-48580878-T-G. GRCh37 (hg19) VCF-style: chr3-48618311-T-G.
Identifiers: ClinVar variation 2180895 (VCV002180895.4), dbSNP rs2531092933, ClinGen allele CA2577588150.
Genomic context (GRCh38, chr3:48,580,878, plus strand): 5'-CCTTTCCTATCACCTTCATGCCCACCTCCCATCACCCCTGTTACTTCTCTCTGCCAAGAC[T>G]CACCCGAAGGCCACGCTCGCCTGCTTTTCCAGGCAAACCCGGGTCACCCTGGTGATAGAG-3'

ClinVar aggregate classification (germline): Uncertain significance (1 of 4 stars; one submission).

Submission:

Labcorp Genetics (formerly Invitae), Labcorp
Classification: Uncertain significance. Last evaluated: 2022-07-05. Review status: criteria provided, single submitter. Criteria: Invitae Variant Classification Sherloc (09022015). Collection method: clinical testing. Allele origin: germline.
Comment: In summary, the available evidence is currently insufficient to determine the role of this variant in disease. Therefore, it has been classified as a Variant of Uncertain Significance. Variants that disrupt the consensus splice site are a relatively common cause of aberrant splicing (PMID: 17576681, 9536098). Algorithms developed to predict the effect of sequence changes on RNA splicing suggest that this variant may disrupt the consensus splice site. This variant has not been reported in the literature in individuals affected with COL7A1-related conditions. This variant is not present in population databases (gnomAD no frequency). This sequence change falls in intron 53 of the COL7A1 gene. It does not directly change the encoded amino acid sequence of the COL7A1 protein. It affects a nucleotide within the consensus splice site.

Literature cited by the submitters: PubMed 17576681; PubMed 9536098.